The following is an entry in ClinVar:

NC_000023.10:g.(31838201_31854834)_(31893491_31947712)del

Gene: DMD (dystrophin; minus strand). Cytogenetic location: Xp21.1.
Variant type: Deletion.
Identifiers: ClinVar variation 2445823 (VCV002445823.1).

ClinVar aggregate classification (germline): Pathogenic (1 of 4 stars; one submission).

Conditions:
Neuromuscular disease caused by qualitative or quantitative defects of dystrophin. Also called: Qualitative or quantitative defects of dystrophin. Identifiers: Orphanet 207085, MedGen C5679787, MONDO:0016147.

Submission:

Women's Health and Genetics/Laboratory Corporation of America, LabCorp
Classification: Pathogenic for Neuromuscular disease caused by qualitative or quantitative defects of dystrophin. Last evaluated: 2023-02-02. Review status: criteria provided, single submitter. Criteria: LabCorp Variant Classification Summary - May 2015. Collection method: clinical testing. Allele origin: germline.
Comment: Variant summary: The variant identified by MLPA or other technology involves the deletion of exons 48-49 in the DMD gene. A presumed nomenclature of c.(6912+1_6913-1)_(7200+1_7201-1)del has been designated for the purposes of this classification. Although exact breakpoints of this deletion are not known, it is expected to result in a large in-frame deletion change in the DMD gene, a known mechanism of disease. The variant was absent in 16115 control chromosomes (gnomAD structural variants dataset). c.(6912+1_6913-1)_(7200+1_7201-1)del has been reported in the literature in individuals affected with Dystrophinopathies, primarily in patients affected with Becker muscular dystrophy (BMD), but was also found in patients with X-linked dilated cardiomyopathy (DCM), and Duchenne muscular dystrophy (DMD) (e.g. Beggs_1991, Prior_2005, Diegoli_2011). These data indicate that the variant is likely to be associated with disease. To our knowledge, no experimental evidence demonstrating an impact on protein function has been reported. One clinical diagnostic laboratory has submitted clinical-significance assessments for this variant to ClinVar after 2014 and classified the variant as pathogenic. Based on the evidence outlined above, the variant was classified as pathogenic.

Literature cited by the submitters: PubMed 2063877; PubMed 21851881; PubMed 16049303.